The following is an entry in ClinVar:

ClinVar aggregate classification (germline): Uncertain significance. Review status: criteria provided, multiple submitters, no conflicts (2 of 4 stars). 2 submissions from 2 submitters: Uncertain significance (2). Last evaluated 2025-08-11.

Conditions:
SH3KBP1-related disorder. Also called: SH3KBP1-related condition.

Allele frequency attached by ClinVar (database versions not stated): ExAC 0.00001; gnomAD exomes 0.00001 and 0.00003; gnomAD 0.00008 and 0.00010; TOPMed 0.00011; ESP Exome Variant Server 0.00019.
gnomAD v4.1: 19 of 1,201,399 alleles (0.0016%); highest among the groups gnomAD compares: African/African-American, 0.028%; no homozygotes.

Submissions (2):

Labcorp Genetics (formerly Invitae), Labcorp
Classification: Uncertain significance. Last evaluated: 2025-08-11. Review status: criteria provided, single submitter. Criteria: Invitae Variant Classification Sherloc (09022015). Collection method: clinical testing. Allele origin: germline.
Comment: This sequence change replaces valine, which is neutral and non-polar, with isoleucine, which is neutral and non-polar, at codon 347 of the SH3KBP1 protein (p.Val347Ile). This variant is present in population databases (rs376122603, gnomAD 0.04%), and has an allele count higher than expected for a pathogenic variant. This variant has not been reported in the literature in individuals affected with SH3KBP1-related conditions. ClinVar contains an entry for this variant (Variation ID: 1451031). Invitae Evidence Modeling of protein sequence and biophysical properties (such as structural, functional, and spatial information, amino acid conservation, physicochemical variation, residue mobility, and thermodynamic stability) indicates that this missense variant is not expected to disrupt SH3KBP1 protein function with a negative predictive value of 80%. In summary, the available evidence is currently insufficient to determine the role of this variant in disease. Therefore, it has been classified as a Variant of Uncertain Significance.

PreventionGenetics, part of Exact Sciences
Classification: Uncertain significance for SH3KBP1-related condition. Last evaluated: 2024-12-14. Review status: criteria provided, single submitter. Criteria: ACMG Guidelines, 2015. Collection method: clinical testing. Allele origin: germline.
Comment: The SH3KBP1 c.1114G>A variant is predicted to result in the amino acid substitution p.Val372Ile. To our knowledge, this variant has not been reported in the literature. This variant is reported in 0.042% of alleles in individuals of African descent in gnomAD, including two hemizygous individuals, which may be too common to be causative. Although we suspect that this variant may be benign, at this time, the clinical significance of this variant is uncertain due to the absence of conclusive functional and genetic evidence.

NM_031892.3(SH3KBP1):c.1039G>A (p.Val347Ile)

Gene: SH3KBP1 (SH3 domain containing kinase binding protein 1; minus strand). Cytogenetic location: Xp22.12.
Variant type: single nucleotide variant.
Coding change: c.1039G>A on transcript NM_031892.3 (MANE Select); coding-DNA position 1039, G replaced by A.
Protein change: p.Val347Ile; replaces valine 347 with isoleucine.
Molecular consequence: missense variant.
Genome position (GRCh38, 1-based): chrX:19,594,967, C>T on the plus strand (G>A on the coding strand, the complement: SH3KBP1 is on the minus strand). VCF-style: chrX-19594967-C-T. GRCh37 (hg19) VCF-style: chrX-19613085-C-T.
Other names: c.928G>A, p.Val310Ile (NM_001024666.3); c.325G>A, p.Val109Ile (NM_001184960.2, NM_001353897.2); c.1039G>A, p.Val347Ile (NM_001353890.2); c.1114G>A, p.Val372Ile (NM_001353891.2, NM_001353892.2); c.937G>A, p.Val313Ile (NM_001353893.2, NM_001353894.2); c.994G>A, p.Val332Ile (NM_001353895.2); c.1114G>A (NM_001353891.1); short protein forms V109I, V310I, V313I, V347I, V372I, V332I.
Identifiers: ClinVar variation 1451031 (VCV001451031.9), dbSNP rs376122603, ClinGen allele CA10364659.
Genomic context (GRCh38, chrX:19,594,967, plus strand): 5'-AAAGACGCATATTTTATTTGATGGAACTGAAAGGTACATTACCTGCCCCTTGTTTGATGA[C>T]AGGAGCGGATGGAGGCGGTGGCTTCTTGGGTCTCTGAAAAATTAATAAAAATTATACCAC-3'
Protein context (NP_114098.1, residues 337-357): PKKPPPPSAP[Val347Ile]IKQGAGTTER